The following is an entry in ClinVar:

NM_001256789.3(CACNA1F):c.3994G>A (p.Val1332Ile)

Gene: CACNA1F (calcium voltage-gated channel subunit alpha1 F; minus strand). Cytogenetic location: Xp11.23.
Variant type: single nucleotide variant.
Coding change: c.3994G>A on transcript NM_001256789.3 (MANE Select); coding-DNA position 3994, G replaced by A.
Protein change: p.Val1332Ile; replaces valine 1332 with isoleucine.
Molecular consequence: missense variant.
Genome position (GRCh38, 1-based): chrX:49,212,257, C>T on the plus strand (G>A on the coding strand, the complement: CACNA1F is on the minus strand). VCF-style: chrX-49212257-C-T. GRCh37 (hg19) VCF-style: chrX-49068717-C-T.
Other names: c.3832G>A, p.Val1278Ile (NM_001256790.3); c.4027G>A, p.Val1343Ile (NM_005183.4); short protein forms V1343I, V1278I, V1332I.
Identifiers: ClinVar variation 1493661 (VCV001493661.7), dbSNP rs151203138, ClinGen allele CA10410294.

ClinVar aggregate classification (germline): Uncertain significance (1 of 4 stars; one submission).

Allele frequency attached by ClinVar (database versions not stated): gnomAD exomes 0.00001 and 0.00002; TOPMed 0.00002; ExAC 0.00003; ESP Exome Variant Server 0.00019.
gnomAD v4.1: 12 of 1,206,804 alleles (0.00099%); highest among the groups gnomAD compares: South Asian, 0.0088%; no homozygotes.

Submission:

Labcorp Genetics (formerly Invitae), Labcorp
Classification: Uncertain significance. Last evaluated: 2025-07-08. Review status: criteria provided, single submitter. Criteria: Invitae Variant Classification Sherloc (09022015). Collection method: clinical testing. Allele origin: germline.
Comment: This sequence change replaces valine, which is neutral and non-polar, with isoleucine, which is neutral and non-polar, at codon 1343 of the CACNA1F protein (p.Val1343Ile). The frequency data for this variant in the population databases is considered unreliable, as metrics indicate poor data quality at this position in the gnomAD database. This variant has not been reported in the literature in individuals affected with CACNA1F-related conditions. ClinVar contains an entry for this variant (Variation ID: 1493661). Invitae Evidence Modeling of protein sequence and biophysical properties (such as structural, functional, and spatial information, amino acid conservation, physicochemical variation, residue mobility, and thermodynamic stability) indicates that this missense variant is not expected to disrupt CACNA1F protein function with a negative predictive value of 80%. In summary, the available evidence is currently insufficient to determine the role of this variant in disease. Therefore, it has been classified as a Variant of Uncertain Significance.